The following is an entry in ClinVar:

NM_000334.4(SCN4A):c.3004T>C (p.Trp1002Arg)

Genes: GH-LCR (growth hormone locus control region; plus strand), SCN4A (sodium voltage-gated channel alpha subunit 4; minus strand). Cytogenetic location: 17q23.3.
Variant type: single nucleotide variant.
Coding change: c.3004T>C on transcript NM_000334.4 (MANE Select); coding-DNA position 3004, T replaced by C.
Protein change: p.Trp1002Arg; replaces tryptophan 1002 with arginine.
Molecular consequence: missense variant.
Genome position (GRCh38, 1-based): chr17:63,948,751, A>G on the plus strand (T>C on the coding strand, the complement: SCN4A is on the minus strand). VCF-style: chr17-63948751-A-G. GRCh37 (hg19) VCF-style: chr17-62026111-A-G.
Other names: short protein forms W1002R.
Identifiers: ClinVar variation 579545 (VCV000579545.14), dbSNP rs544082594, ClinGen allele CA8709417.

ClinVar aggregate classification (germline): Conflicting classifications of pathogenicity. Review status: criteria provided, conflicting classifications (1 of 4 stars). 5 submissions from 5 submitters: Uncertain significance (2); Benign (1); Likely benign (2). Last evaluated 2026-05-20.

Conditions:
Hyperkalemic periodic paralysis. Also called: Familial hyperkalemic periodic paralysis; Gamstorp disease. Identifiers: Orphanet 682, MedGen C0238357, MONDO:0008224, OMIM 170500, HP:0007215.
Congenital myasthenic syndrome 16. Identifiers: Orphanet 590, MedGen C3280112, MONDO:0013620, OMIM 614198.
Paramyotonia congenita of Von Eulenburg. Also called: Myotonia congenita intermittens; Von Eulenburg paramyotonia congenita; Paramyotonia Congenita; PARALYSIS PERIODICA PARAMYOTONICA; Eulenburg disease. Identifiers: Orphanet 684, MedGen C0221055, MONDO:0008195, OMIM 168300. Disease mechanism: loss of function.
Congenital myopathy 22A, classic (CMYO22A). Identifiers: MedGen C5830453, MONDO:0957247, OMIM 620351.
Congenital myopathy 22B, severe fetal (CMYO22B). Identifiers: MedGen C5830501, MONDO:0957265, OMIM 620369.
Hypokalemic periodic paralysis, type 2 (HOKPP2). Identifiers: Orphanet 681, MedGen C2750061, MONDO:0013234, OMIM 613345.
Potassium-aggravated myotonia. Also called: Myotonia congenita, atypical, acetazolamide-responsive; MYOTONIA CONGENITA, ACETAZOLAMIDE-RESPONSIVE; MYOTONIA CONGENITA, ATYPICAL; SODIUM CHANNEL MUSCLE DISEASE. Identifiers: Orphanet 612, Orphanet 99734, Orphanet 99735, Orphanet 99736, MedGen C2931826, MONDO:0018959, OMIM 608390.

Allele frequency attached by ClinVar (database versions not stated): gnomAD 0.00011 and 0.00002; gnomAD exomes 0.00034 and 0.00012; ExAC 0.00042; 1000 Genomes Project 0.00020; 1000 Genomes Project 30x 0.00047; TOPMed 0.00003.
gnomAD v4.1: 198 of 1,609,060 alleles (0.012%); highest among the groups gnomAD compares: South Asian, 0.16%; 1 homozygote.

Submissions (5):

GeneDx
Classification: Uncertain significance. Last evaluated: 2026-05-20. Review status: criteria provided, single submitter. Criteria: GeneDx Variant Classification Process June 2021. Collection method: clinical testing. Allele origin: germline.
Comment: Reported in the homozygous state in a patient with microcephaly and spasticity in published literature (PMID: 31069529); In silico analysis supports that this missense variant has a deleterious effect on protein structure/function; This variant is associated with the following publications: (PMID: 31069529)

Women's Health and Genetics/Laboratory Corporation of America, LabCorp
Classification: Likely benign. Last evaluated: 2026-04-21. Review status: criteria provided, single submitter. Criteria: LabCorp Variant Classification Summary - May 2015. Collection method: clinical testing. Allele origin: germline.
Comment: Variant summary: SCN4A c.3004T>C (p.Trp1002Arg) results in a non-conservative amino acid change in the encoded protein sequence. Algorithms developed to predict the effect of missense changes on protein structure and function are either unavailable or do not agree on the potential impact of this missense change. The variant allele was found at a frequency of 0.00034 in 245464 control chromosomes, predominantly at a frequency of 0.0016 within the South Asian subpopulation in the gnomAD database. The observed variant frequency within South Asian control individuals in the gnomAD database exceeds the estimated maximal expected allele frequency for disease-causing variants in SCN4A. This report does not provide unequivocal conclusions about association of the variant with SCN4A-related conditions. To our knowledge, no experimental evidence demonstrating an impact on protein function has been reported. The following publication has been ascertained in the context of this evaluation (PMID: 31069529). ClinVar contains an entry for this variant (Variation ID: 579545). Based on the evidence outlined above, the variant was classified as likely benign.

Labcorp Genetics (formerly Invitae), Labcorp
Classification: Likely benign for Hyperkalemic periodic paralysis. Last evaluated: 2025-11-27. Review status: criteria provided, single submitter. Criteria: Invitae Variant Classification Sherloc (09022015). Collection method: clinical testing. Allele origin: germline.

Athena Diagnostics
Classification: Benign. Last evaluated: 2024-02-06. Review status: criteria provided, single submitter. Criteria: Athena Diagnostics Criteria. Collection method: clinical testing. Allele origin: unknown.

Fulgent Genetics
Classification: Uncertain significance for Paramyotonia congenita of Von Eulenburg; Hyperkalemic periodic paralysis; Potassium-aggravated myotonia; Hypokalemic periodic paralysis, type 2; Congenital myasthenic syndrome 16; Congenital myopathy 22A, classic; Congenital myopathy 22B, severe fetal. Last evaluated: 2024-02-02. Review status: criteria provided, single submitter. Criteria: ACMG Guidelines, 2015. Collection method: clinical testing. Allele origin: germline.

Literature cited by the submitters: PubMed 31069529 (cited by Women's Health and Genetics/Laboratory Corporation of America, LabCorp and Athena Diagnostics).